The following is an entry in ClinVar:

ClinVar aggregate classification (germline): Likely benign (1 of 4 stars; one submission).

Allele frequency attached by ClinVar (database versions not stated): TOPMed 0.00005; ExAC 0.00007; gnomAD 0.00007; gnomAD exomes 0.00007; ESP Exome Variant Server 0.00008.
gnomAD v4.1: 117 of 1,555,930 alleles (0.0075%); highest among the groups gnomAD compares: Middle Eastern, 0.033%; 1 homozygote.

Submission:

CeGaT Center for Human Genetics Tuebingen
Classification: Likely benign. Last evaluated: 2023-02-01. Review status: criteria provided, single submitter. Criteria: CeGaT Center For Human Genetics Tuebingen Variant Classification Criteria Version 2. Collection method: clinical testing. Allele origin: germline. Affected: yes. Observed: 1 variant allele.
Comment: CDH9: BP4, BP7

NM_016279.4(CDH9):c.822A>G (p.Gln274=)

Gene: CDH9 (cadherin 9; minus strand). Cytogenetic location: 5p14.1.
Variant type: single nucleotide variant.
Coding change: c.822A>G on transcript NM_016279.4 (MANE Select); coding-DNA position 822, A replaced by G.
Protein change: p.Gln274=; no amino-acid change (glutamine 274 retained).
Molecular consequence: synonymous variant.
Genome position (GRCh38, 1-based): chr5:26,903,814, T>C on the plus strand (A>G on the coding strand, the complement: CDH9 is on the minus strand). VCF-style: chr5-26903814-T-C. GRCh37 (hg19) VCF-style: chr5-26903923-T-C.
Identifiers: ClinVar variation 2655377 (VCV002655377.24), dbSNP rs373715996, ClinGen allele CA3216243.
Genomic context (GRCh38, chr5:26,903,814, plus strand): 5'-GTCATTGGCTTTTATCCTTCCAAGATGAGTTCCAAGAGGTACAGACTCAGGAGAATTAAA[T>C]TGATACGTACCTATAAATTAAGTAAGAGCTGTTTTGACATTTCATCTTTATATAACATTT-3'
Protein context (NP_057363.3, residues 264-284): NPPRFPQSTY[Gln274=]FNSPESVPLG